The following is an entry in ClinVar:

ClinVar aggregate classification (germline): Likely benign. Review status: criteria provided, multiple submitters, no conflicts (2 of 4 stars). 2 submissions from 2 submitters: Likely benign (2). Last evaluated 2024-06-22.

Conditions:
Fanconi anemia (FA). Also called: Fanconi's anemia. Identifiers: Orphanet 84, MedGen C0015625, MeSH D005199, MONDO:0019391.

Submissions (2):

Labcorp Genetics (formerly Invitae), Labcorp
Classification: Likely benign for Fanconi anemia. Last evaluated: 2024-06-22. Review status: criteria provided, single submitter. Criteria: Invitae Variant Classification Sherloc (09022015). Collection method: clinical testing. Allele origin: germline.

GeneDx
Classification: Likely benign. Last evaluated: 2016-08-29. Review status: criteria provided, single submitter. Criteria: GeneDx Variant Classification (06012015). Collection method: clinical testing. Allele origin: germline. Affected: yes.
Comment: This variant is considered likely benign or benign based on one or more of the following criteria: it is a conservative change, it occurs at a poorly conserved position in the protein, it is predicted to be benign by multiple in silico algorithms, and/or has population frequency not consistent with disease.

NM_000136.3(FANCC):c.1330-11C>T

Genes: AOPEP (aminopeptidase O (putative); plus strand), FANCC (FA complementation group C; minus strand). Cytogenetic location: 9q22.32.
Variant type: single nucleotide variant.
Coding change: c.1330-11C>T on transcript NM_000136.3 (MANE Select); 11 bases into the intron before coding-DNA position 1330, C replaced by T.
Molecular consequence: intron variant.
Genome position (GRCh38, 1-based): chr9:95,107,280, G>A on the plus strand (C>T on the coding strand, the complement: FANCC is on the minus strand). VCF-style: chr9-95107280-G-A. GRCh37 (hg19) VCF-style: chr9-97869562-G-A.
Other names: c.1330-11C>T (NM_001243743.2).
Identifiers: ClinVar variation 388962 (VCV000388962.3), dbSNP rs1057523289, ClinGen allele CA16605741.